The following continues an entry in ClinVar:

NM_000535.7(PMS2):c.1490G>A (p.Gly497Asp)

Gene: PMS2. ClinVar aggregate classification (germline): Conflicting classifications of pathogenicity. Uncertain significance (13); Benign (1); Likely benign (5).

Submissions 15 to 22 of 22:

ARUP Laboratories, Molecular Genetics and Genomics, ARUP Laboratories
Classification: Uncertain significance. Last evaluated: 2021-01-10. Review status: criteria provided, single submitter. Criteria: ARUP Molecular Germline Variant Investigation Process 2021. Collection method: clinical testing. Allele origin: germline.
Comment: The PMS2 c.1490G>A; p.Gly497Asp variant (rs199739859) is reported in the literature in six probands who were affected with colorectal (3), endometrial (2), or ovarian (1) cancer as well as multiple affected relatives (Chubb 2015, Krivokuca 2019, Ring 2016, Wang 2020, and Yurgelun 2017). This variant is also reported in ClinVar (Variation ID: 127761) and is found in the general population with an allele frequency of 0.011% (32/282,816 alleles) in the Genome Aggregation Database. The glycine at codon 497 is weakly conserved, and computational analyses are uncertain whether this variant is neutral or deleterious (REVEL: 0.252). Due to limited information, the clinical significance of the p.Gly497Asp variant is uncertain at this time.

Mendelics
Classification: Uncertain significance for Lynch syndrome 4. Last evaluated: 2019-05-28. Review status: criteria provided, single submitter. Criteria: Mendelics Assertion Criteria 2017. Collection method: clinical testing. Allele origin: unknown.

GeneKor MSA
Classification: Uncertain significance for Hereditary cancer-predisposing syndrome. Last evaluated: 2018-08-01. Review status: criteria provided, single submitter. Criteria: ACMG Guidelines, 2015. Collection method: clinical testing. Allele origin: germline. Affected: yes.

Ambry Genetics
Classification: Likely benign for Hereditary cancer-predisposing syndrome. Last evaluated: 2018-05-21. Review status: criteria provided, single submitter. Criteria: Ambry Variant Classification Scheme 2023. Collection method: clinical testing. Allele origin: germline.

Illumina Laboratory Services, Illumina
Classification: Uncertain significance for Lynch syndrome 4. Last evaluated: 2017-04-27. Review status: criteria provided, single submitter. Criteria: ICSL Variant Classification Criteria 13 December 2019. Collection method: clinical testing. Allele origin: germline.
Comment: This variant was observed as part of a predisposition screen in an ostensibly healthy population. A literature search was performed for the gene, cDNA change, and amino acid change (where applicable). Publications were found based on this search. However, the evidence from the literature, in combination with allele frequency data from public databases where available, was not sufficient to rule this variant in or out of causing disease. Therefore, this variant is classified as a variant of unknown significance.

Counsyl
Classification: Uncertain significance for Lynch syndrome 4. Last evaluated: 2018-03-14. Review status: no assertion criteria provided. Collection method: clinical testing. Allele origin: unknown. Not counted in ClinVar's aggregate classification.

ITMI
No classification provided. Condition: AllHighlyPenetrant. Last evaluated: 2013-09-19. Review status: no classification provided. Collection method: reference population. Allele origin: germline. Not counted in ClinVar's aggregate classification.
Comment: Please see associated publication for description of ethnicities

Department of Pathology and Laboratory Medicine, Sinai Health System
Classification: Uncertain significance for Malignant tumor of breast. Review status: no assertion criteria provided. Collection method: clinical testing. Allele origin: unknown. Affected: yes. Study: The Canadian Open Genetics Repository (COGR). Not counted in ClinVar's aggregate classification.
Comment: The PMS2 p.Gly497Asp variant was identified in 2 of 2014 proband chromosomes (frequency: 0.001) from individuals or families with colorectal cancer or endometrial carcinoma (Chubb 2015, Ring 2016). The variant was also identified in the following databases: dbSNP (ID: rs199739859) as "With Uncertain significance allele", ClinVar (classified as likely benign by Ambry Genetics; as uncertain significance by GeneDx, Invitae, and Quest Diagnostics Nichols Institute San Juan Capistrano), Clinvitae, Cosmic (1x in central nervous system), and Insight Hereditary Tumors database. The variant was not identified in the COGR, MutDB, Zhejiang Colon Cancer Database, or Mismatch Repair Genes Variant databases. The variant was identified in control databases in 33 of 277164 chromosomes at a frequency of 0.0001 (Genome Aggregation Database Feb 27, 2017). It was observed in the following populations: Other in 2 of 6466 chromosomes (freq: 0.0003), Latino in 3 of 34420 chromosomes (freq: 0.0001), European in 27 of 126690 chromosomes (freq: 0.0002), Ashkenazi Jewish in 1 of 10148 chromosomes (freq: 0.0001); but not in the African, East Asian, Finnish, and South Asian populations. The p.Gly497 residue is not conserved in mammals and computational analyses (PolyPhen-2, SIFT, AlignGVGD, BLOSUM, MutationTaster) provide inconsistent predictions regarding the impact to the protein; this information is not very predictive of pathogenicity. The variant occurs outside of the splicing consensus sequence and in silico or computational prediction software programs (SpliceSiteFinder, MaxEntScan, NNSPLICE, GeneSplicer, HumanSpliceFinder) do not predict a difference in splicing. In summary, based on the above information the clinical significance of this variant cannot be determined with certainty at this time. This variant is classified as a variant of uncertain significance.

Literature cited by the submitters: PubMed 34326862 (cited by Quest Diagnostics Nichols Institute San Juan Capistrano and Women's Health and Genetics/Laboratory Corporation of America, LabCorp); PubMed 25559809 (cited by 5 submitters); PubMed 24728327 (cited by 5 submitters); PubMed 27443514 (cited by 5 submitters); PubMed 33471991 (cited by Quest Diagnostics Nichols Institute San Juan Capistrano); PubMed 31992580 (cited by 3 submitters); PubMed 31159747 (cited by Quest Diagnostics Nichols Institute San Juan Capistrano and Women's Health and Genetics/Laboratory Corporation of America, LabCorp); PubMed 30651582 (cited by 3 submitters); PubMed 30426508 (cited by Quest Diagnostics Nichols Institute San Juan Capistrano and Women's Health and Genetics/Laboratory Corporation of America, LabCorp); PubMed 29945567 (cited by Quest Diagnostics Nichols Institute San Juan Capistrano and Women's Health and Genetics/Laboratory Corporation of America, LabCorp); PubMed 25186627 (cited by Quest Diagnostics Nichols Institute San Juan Capistrano); PubMed 28135145 (cited by 4 submitters); PubMed 26689913 (cited by 3 submitters); PubMed 34284872 (cited by Quest Diagnostics Nichols Institute San Juan Capistrano); PubMed 34250417 (cited by Quest Diagnostics Nichols Institute San Juan Capistrano and Women's Health and Genetics/Laboratory Corporation of America, LabCorp); PubMed 32809219 (cited by Quest Diagnostics Nichols Institute San Juan Capistrano and Women's Health and Genetics/Laboratory Corporation of America, LabCorp); PubMed 31391288 (cited by Quest Diagnostics Nichols Institute San Juan Capistrano and Sema4); PubMed 31433215 (cited by Quest Diagnostics Nichols Institute San Juan Capistrano and Sema4).